The following is an entry in ClinVar:

NM_032776.3(JMJD1C):c.3262T>A (p.Leu1088Ile)

Gene: JMJD1C (jumonji domain containing 1C; minus strand). Cytogenetic location: 10q21.3.
Variant type: single nucleotide variant.
Coding change: c.3262T>A on transcript NM_032776.3 (MANE Select); coding-DNA position 3262, T replaced by A.
Protein change: p.Leu1088Ile; replaces leucine 1088 with isoleucine.
Molecular consequence: missense variant. On other transcripts: non-coding transcript variant (1).
Genome position (GRCh38, 1-based): chr10:63,208,407, A>T on the plus strand (T>A on the coding strand, the complement: JMJD1C is on the minus strand). VCF-style: chr10-63208407-A-T. GRCh37 (hg19) VCF-style: chr10-64968167-A-T.
Other names: c.2716T>A, p.Leu906Ile (NM_001282948.2, NM_001318154.2); c.2398T>A, p.Leu800Ile (NM_001318153.2); c.3148T>A, p.Leu1050Ile (NM_001322252.2); c.2605T>A, p.Leu869Ile (NM_001322254.2, NM_001322258.2); short protein forms L1050I, L800I, L869I, L1088I, L906I.
Identifiers: ClinVar variation 2172392 (VCV002172392.4), dbSNP rs1368301451, ClinGen allele CA377042392.

ClinVar aggregate classification (germline): Uncertain significance (1 of 4 stars; one submission).

Conditions:
Early Myoclonic Encephalopathy. Identifiers: MedGen C0270855.

Allele frequency attached by ClinVar (database versions not stated): gnomAD 0.00001; TOPMed 0.00001.
gnomAD v4.1: 14 of 1,613,882 alleles (0.00087%); highest among the groups gnomAD compares: Non-Finnish European, 0.0012%; no homozygotes.

Submission:

Labcorp Genetics (formerly Invitae), Labcorp
Classification: Uncertain significance for Early Myoclonic Encephalopathy. Last evaluated: 2022-02-09. Review status: criteria provided, single submitter. Criteria: Invitae Variant Classification Sherloc (09022015). Collection method: clinical testing. Allele origin: germline.
Comment: This sequence change replaces leucine, which is neutral and non-polar, with isoleucine, which is neutral and non-polar, at codon 1088 of the JMJD1C protein (p.Leu1088Ile). This variant is present in population databases (no rsID available, gnomAD 0.002%). This variant has not been reported in the literature in individuals affected with JMJD1C-related conditions. Algorithms developed to predict the effect of missense changes on protein structure and function are either unavailable or do not agree on the potential impact of this missense change (SIFT: "Tolerated"; PolyPhen-2: "Possibly Damaging"; Align-GVGD: "Class C0"). In summary, the available evidence is currently insufficient to determine the role of this variant in disease. Therefore, it has been classified as a Variant of Uncertain Significance.